The following is an entry in ClinVar:

ClinVar aggregate classification (germline): Uncertain significance (1 of 4 stars; one submission).

Conditions:
Hermansky-Pudlak syndrome 2 (HPS2). Also called: Platelet defects and oculocutaneous albinism. Identifiers: Orphanet 183678, Orphanet 79430, MedGen C1842362, MONDO:0011997, OMIM 608233.

Allele frequency attached by ClinVar (database versions not stated): gnomAD exomes below 0.00001; ExAC 0.00001.
gnomAD v4.1: 7 of 1,613,976 alleles (0.00043%); highest among the groups gnomAD compares: Admixed American, 0.0083%; no homozygotes.

Submission:

Labcorp Genetics (formerly Invitae), Labcorp
Classification: Uncertain significance for Hermansky-Pudlak syndrome 2. Last evaluated: 2023-11-27. Review status: criteria provided, single submitter. Criteria: Invitae Variant Classification Sherloc (09022015). Collection method: clinical testing. Allele origin: germline.
Comment: This sequence change replaces cysteine, which is neutral and slightly polar, with tyrosine, which is neutral and polar, at codon 431 of the AP3B1 protein (p.Cys431Tyr). This variant is present in population databases (rs751127592, gnomAD 0.0009%). This variant has not been reported in the literature in individuals affected with AP3B1-related conditions. ClinVar contains an entry for this variant (Variation ID: 576939). An algorithm developed to predict the effect of missense changes on protein structure and function (PolyPhen-2) suggests that this variant is likely to be disruptive. In summary, the available evidence is currently insufficient to determine the role of this variant in disease. Therefore, it has been classified as a Variant of Uncertain Significance.

NM_003664.5(AP3B1):c.1292G>A (p.Cys431Tyr)

Gene: AP3B1 (adaptor related protein complex 3 subunit beta 1; minus strand). Cytogenetic location: 5q14.1.
Variant type: single nucleotide variant.
Coding change: c.1292G>A on transcript NM_003664.5 (MANE Select); coding-DNA position 1292, G replaced by A.
Protein change: p.Cys431Tyr; replaces cysteine 431 with tyrosine.
Molecular consequence: missense variant.
Genome position (GRCh38, 1-based): chr5:78,162,890, C>T on the plus strand (G>A on the coding strand, the complement: AP3B1 is on the minus strand). VCF-style: chr5-78162890-C-T. GRCh37 (hg19) VCF-style: chr5-77458714-C-T.
Other names: c.1145G>A, p.Cys382Tyr (NM_001271769.2); short protein forms C431Y, C382Y.
Identifiers: ClinVar variation 576939 (VCV000576939.6), dbSNP rs751127592, ClinGen allele CA3317102.
Genomic context (GRCh38, chr5:78,162,890, plus strand): 5'-GACAGCAGACAGACCAAGCCATTGAGGCACGTGTCAGTGACTTCCAAGATGTTGGTTGCA[C>T]ATCTGCCTATAGTCTGAATAGTGGCTGCTGCAAATTGTTTATCCTGGCTTTTCACATAGG-3'
Protein context (NP_003655.3, residues 421-441): AAATIQTIGR[Cys431Tyr]ATNILEVTDT